The following is an entry in ClinVar:

ClinVar aggregate classification (germline): Likely pathogenic (1 of 4 stars; one submission).

Conditions:
BBS9-related disorder. Also called: BBS9-related condition.

Submission:

PreventionGenetics, part of Exact Sciences
Classification: Likely pathogenic for BBS9-related condition. Last evaluated: 2024-12-12. Review status: criteria provided, single submitter. Criteria: ACMG Guidelines, 2015. Collection method: clinical testing. Allele origin: germline.
Comment: The BBS9 c.1516_1519delGTTT variant is predicted to result in a frameshift and premature protein termination (p.Val506Leufs*25). To our knowledge, this variant has not been reported in the literature or in a large population database (gnomAD), indicating this variant is rare. Frameshift variants in BBS9 are expected to be pathogenic. This variant is interpreted as likely pathogenic.

NM_198428.3(BBS9):c.1516_1519del (p.Val506fs)

Gene: BBS9 (Bardet-Biedl syndrome 9; plus strand). Cytogenetic location: 7p14.3.
Variant type: Deletion.
Coding change: c.1516_1519del on transcript NM_198428.3 (MANE Select); coding-DNA positions 1516 to 1519, 4 bases deleted (GTTT; older notation c.1516_1519delGTTT).
Protein change: p.Val506fs; shifts the reading frame from valine 506.
Molecular consequence: frameshift variant. On other transcripts: non-coding transcript variant (3), intron variant (5).
Genome position (GRCh38, 1-based): chr7:33,351,302-33,351,305, GTTT deleted; deleting any 4 consecutive bases within chr7:33,351,300-33,351,305 gives the same sequence; the c. name uses the placement nearest the transcript's 3' end. VCF-style (leftmost placement, unchanged base first): chr7-33351299-GTTGT-G. GRCh37 (hg19) VCF-style: chr7-33390911-GTTGT-G.
Other names: c.1516_1519del, p.Val506fs (NM_001033605.2, NM_001348036.1, NM_001348041.4 and 2 more transcripts); c.1150_1153del, p.Val384fs (NM_001348037.3, NM_001348045.3, NM_001348046.3); c.1243_1246del, p.Val415fs (NM_001348038.3); c.1381_1384del, p.Val461fs (NM_001348042.3); c.1160-1557_1160-1554del (NM_001348039.3); c.1433-1557_1433-1554del (NM_001033604.2); c.1432+2132_1432+2135del (NM_014451.4, NM_001348040.3); c.1067-1557_1067-1554del (NM_001348044.3); short protein forms V461fs, V415fs, V506fs, V384fs.
Identifiers: ClinVar variation 4998295 (VCV004998295.1).
Genomic context (GRCh38, chr7:33,351,299, plus strand): 5'-GTAAGCTTTTCTGTTTATCTGAAAAGAAGTTATACACCATCAGAATTGGAAGGAAATGCT[GTTGT>G]TTCTTATTCCAGACCAACAGGTAAACATACAGGCTTAATCATTACTTTAAGTTGTTGGAG-3'